The following is an entry in ClinVar:

ClinVar aggregate classification (germline): Likely pathogenic (1 of 4 stars; one submission).

Conditions:
Familial cancer of breast. Also called: BREAST CANCER, FAMILIAL; Hereditary breast cancer; hereditary breast carcinoma. Identifiers: Orphanet 227535, MedGen C0346153, MONDO:0016419, OMIM 114480. Disease mechanism: loss of function.

Submission:

Myriad Genetics, Inc.
Classification: Likely pathogenic for Familial cancer of breast. Last evaluated: 2024-06-12. Review status: criteria provided, single submitter. Criteria: Myriad Autosomal Dominant, Autosomal Recessive and X-Linked Classification Criteria (2023). Collection method: clinical testing. Allele origin: unknown.
Comment: This variant is considered likely pathogenic. This variant occurs within a consensus splice junction and is predicted to result in abnormal mRNA splicing of either an out-of-frame exon or an in-frame exon necessary for protein stability and/or normal function.

NM_000051.4(ATM):c.2376_2376+1delinsTT

Gene: ATM (ATM serine/threonine kinase; plus strand). Cytogenetic location: 11q22.3.
Variant type: Indel.
Coding change: c.2376_2376+1delinsTT on transcript NM_000051.4 (MANE Select); coding-DNA position 2376 through the canonical splice donor site of the intron after coding-DNA position 2376, GG replaced by TT.
Molecular consequence: splice donor variant.
Genome position (GRCh38, 1-based): chr11:108,257,606-108,257,607, GG replaced by TT. VCF-style: chr11-108257606-GG-TT. GRCh37 (hg19) VCF-style: chr11-108128333-GG-TT.
Other names: c.2376_2376+1delinsTT (NM_001351834.2).
Identifiers: ClinVar variation 3254403 (VCV003254403.1), dbSNP rs2497389469.
Genomic context (GRCh38, chr11:108,257,606, plus strand): 5'-AATTGGTTCCTTGAGAAATATGATGCAGCTATGTACACGTTGCTTGAGCAACTGTACCAA[GG>TT]TAAGATTTTCTTCTTCTTGTTTTGTTTTTTGAGATAGGATCTTTCTCTGTCACCCAGGCT-3'